The following is an entry in ClinVar:

NM_198253.3(TERT):c.1619T>C (p.Ile540Thr)

Gene: TERT (telomerase reverse transcriptase; minus strand). Cytogenetic location: 5p15.33.
Variant type: single nucleotide variant.
Coding change: c.1619T>C on transcript NM_198253.3 (MANE Select); coding-DNA position 1619, T replaced by C.
Protein change: p.Ile540Thr; replaces isoleucine 540 with threonine.
Molecular consequence: missense variant. On other transcripts: non-coding transcript variant (2).
Genome position (GRCh38, 1-based): chr5:1,282,579, A>G on the plus strand (T>C on the coding strand, the complement: TERT is on the minus strand). VCF-style: chr5-1282579-A-G. GRCh37 (hg19) VCF-style: chr5-1282694-A-G.
Other names: p.Ile540Thr; c.1619T>C, p.Ile540Thr (NM_001193376.3); short protein forms I540T.
Identifiers: ClinVar variation 3379579 (VCV003379579.1).

ClinVar aggregate classification (germline): Uncertain significance (1 of 4 stars; one submission).

Submission:

Mayo Clinic Laboratories, Mayo Clinic
Classification: Uncertain significance. Last evaluated: 2024-02-27. Review status: criteria provided, single submitter. Criteria: ACMG Guidelines, 2015. Collection method: clinical testing. Allele origin: germline. Observed: 1 variant allele.
Comment: PP2, PM2

Literature cited by the submitters: PubMed 28104920.